The following continues an entry in ClinVar:

NM_002709.3(PPP1CB):c.146C>G (p.Pro49Arg)

Gene: PPP1CB. ClinVar aggregate classification (germline): Pathogenic. Pathogenic (1).

Submissions 8 to 24 of 35:

Variantyx, Inc.
Classification: Pathogenic for Noonan syndrome-like disorder with loose anagen hair 2. Last evaluated: 2025-03-13. Review status: criteria provided, single submitter. Criteria: Variantyx Assertion Criteria 2022. Collection method: clinical testing. Allele origin: germline. Affected: yes. Not counted in ClinVar's aggregate classification.
Comment: This is a nonsynonymous variant in the PPP1CB gene (OMIM: 600590). Pathogenic variants in this gene have been associated with autosomal dominant Noonan syndrome-like disorder with loose anagen hair 2. This variant likely occurred de novo in individuals from the published literature; however, the possibility of parental germline mosaicism cannot be excluded (PMID: 27264673, 27681385, 27868344) (PS2). This variant has been reported in many unrelated affected individuals (PMID: 27264673, 27681385, 27868344, 28211982, 30368668, 32476286) (PS4_Very_Strong). This variant is absent from control populations (PM2_Supporting). Other reputable laboratories have reported this variant as pathogenic or likely pathogenic, and this classification has been validated by an expert panel in ClinVar (PP5). Computational algorithms produce conflicting evidence regarding the predicted functional impact of this variant (REVEL score: 0.438). Based on the current evidence, this variant is classified as pathogenic for autosomal dominant Noonan syndrome-like disorder with loose anagen hair 2.

Ambry Genetics
Classification: Pathogenic for Cardiovascular phenotype. Last evaluated: 2025-03-04. Review status: criteria provided, single submitter. Criteria: Ambry Variant Classification Scheme 2023. Collection method: clinical testing. Allele origin: germline. Not counted in ClinVar's aggregate classification.
Comment: The p.P49R pathogenic mutation (also known as c.146C>G), located in coding exon 2 of the PPP1CB gene, results from a C to G substitution at nucleotide position 146. The proline at codon 49 is replaced by arginine, an amino acid with dissimilar properties. This variant was reported in individual(s) with features consistent with PPP1CB-related Noonan syndrome-like disorder with loose anagen hair; in at least one individual, it was determined to be de novo (Ma L et al. Hum Genet, 2016 Dec;135:1399-1409; Gripp KW et al. Am J Med Genet A, 2016 Sep;170:2237-47; Zambrano RM et al. Am J Med Genet A, 2017 Feb;173:565-567; Bertola D et al. Am J Med Genet A, 2017 Mar;173:824-828; Turner TN et al. Am J Hum Genet, 2019 Dec;105:1274-1285; Giugliano T et al. Genes (Basel), 2019 Jul;10). This missense alteration is located in a region that has a low rate of benign missense variation (Lek M et al. Nature. 2016 Aug 18;536(7616):285-91; DECIPHER: Database of Chromosomal Imbalance and Phenotype in Humans using Ensembl Resources. Firth H.V. et al. 2009. Am.J.Hum.Genet. 84, 524-533 (DOI)). This amino acid position is highly conserved in available vertebrate species. In addition, the in silico prediction for this alteration is inconclusive. This variant is considered to be rare based on population cohorts in the Genome Aggregation Database (gnomAD). Based on the supporting evidence, this variant is interpreted as a disease-causing mutation.

Department of Clinical Genetics, Copenhagen University Hospital, Rigshospitalet
Classification: Pathogenic for Noonan syndrome-like disorder with loose anagen hair 2. Last evaluated: 2025-03-03. Review status: criteria provided, single submitter. Criteria: ACMG Guidelines, 2015. Collection method: clinical testing. Allele origin: germline. Not counted in ClinVar's aggregate classification.
Comment: The following ACMG criteria has been used: PS2_Vst; PS4_M; PM2_Sup; PP2_Sup

Center of Human Genetics, Hôpital Erasme
Classification: Pathogenic for Noonan syndrome-like disorder with loose anagen hair 2. Last evaluated: 2025-01-01. Review status: criteria provided, single submitter. Criteria: ACMG Guidelines, 2015. Collection method: clinical testing. Allele origin: unknown. Affected: yes. Not counted in ClinVar's aggregate classification.

Laboratorio de Genetica e Diagnostico Molecular, Hospital Israelita Albert Einstein
Classification: Pathogenic for Noonan syndrome-like disorder with loose anagen hair 2. Last evaluated: 2024-11-04. Review status: criteria provided, single submitter. Criteria: ACMG Guidelines, 2015. Collection method: clinical testing. Allele origin: germline. Affected: yes. Not counted in ClinVar's aggregate classification.
Comment: ACMG classification criteria: PS2 strong, PS4 strong, PM2 supporting, PP2 supporting

Molecular Genetics Laboratory, BC Children's and BC Women's Hospitals
Classification: Pathogenic for Noonan syndrome-like disorder with loose anagen hair 2. Last evaluated: 2024-07-09. Review status: criteria provided, single submitter. Criteria: ACMG Guidelines, 2015. Collection method: clinical testing. Allele origin: de novo. Affected: yes. Not counted in ClinVar's aggregate classification.

Blueprint Genetics
Classification: Pathogenic for PPP1CB-related disorders. Last evaluated: 2024-06-07. Review status: criteria provided, single submitter. Criteria: ACMG Guidelines, 2015. Collection method: clinical testing. Allele origin: germline. Affected: yes. Observed: 5 variant alleles. Not counted in ClinVar's aggregate classification.

Victorian Clinical Genetics Services, Murdoch Childrens Research Institute
Classification: Pathogenic for Noonan syndrome-like disorder with loose anagen hair 2. Last evaluated: 2023-07-17. Review status: criteria provided, single submitter. Criteria: ACMG Guidelines, 2015. Collection method: clinical testing. Allele origin: germline. Inheritance: Autosomal dominant inheritance. Affected: yes. Not counted in ClinVar's aggregate classification.
Comment: Based on the classification scheme VCGS_Germline_v1.3.4, this variant is classified as Pathogenic. Following criteria are met: 0101 - Gain of function is a known mechanism of disease in this gene and is associated with Noonan syndrome-like disorder with loose anagen hair 2 (MIM#617506) (PMID: 30348783). (I) 0107 - This gene is associated with autosomal dominant disease. (I) 0200 - Variant is predicted to result in a missense amino acid change from proline to arginine. (I) 0251 - This variant is heterozygous. (I) 0301 - Variant is absent from gnomAD (both v2 and v3). (SP) 0501 - Missense variant consistently predicted to be damaging by multiple in silico tools or highly conserved with a major amino acid change. (SP) 0603 - Missense variant in a region that is highly intolerant to missense variation (high constraint region in DECIPHER). (SP) 0801 - This variant has strong previous evidence of pathogenicity in unrelated individuals. This is a recurrent variant reported in multiple individuals with Noonan syndrome-like disorder with loose anagen hair 2 (MIM#617506) (ClinVar, DECIPHER, PMID: 33491856). (SP) 1208 - Inheritance information for this variant is not currently available in this individual. (I) Legend: (SP) - Supporting pathogenic, (I) - Information, (SB) - Supporting benign

Department of Endocrinology and Genetics, Fuzhou Children’s Hospital of Fujian Medical University
Classification: Pathogenic for Noonan syndrome-like disorder with loose anagen hair 2. Last evaluated: 2022-09-08. Review status: criteria provided, single submitter. Criteria: ACMG Guidelines, 2015. Collection method: clinical testing. Allele origin: de novo. Inheritance: Autosomal dominant inheritance. Affected: yes. Not counted in ClinVar's aggregate classification.

GeneDx
Classification: Pathogenic. Last evaluated: 2021-10-05. Review status: criteria provided, single submitter. Criteria: GeneDx Variant Classification Process June 2021. Collection method: clinical testing. Allele origin: germline. Affected: yes. Not counted in ClinVar's aggregate classification.
Comment: In silico analysis, which includes protein predictors and evolutionary conservation, supports a deleterious effect; Not observed in large population cohorts (Lek et al., 2016); This variant is associated with the following publications: (PMID: 27264673, 27868344, 27338287, 28211982, 27681385, 28135719, 30368668, 31474318, 31370276, 32476286)

Laboratory of Medical Genetics, National & Kapodistrian University of Athens
Classification: Pathogenic for Noonan syndrome-like disorder with loose anagen hair 2. Last evaluated: 2021-10-05. Review status: criteria provided, single submitter. Criteria: ACMG Guidelines, 2015. Collection method: clinical testing. Allele origin: unknown. Affected: yes. Not counted in ClinVar's aggregate classification.
Comment: PM2, PP2, PP3, PP5

Institute of Medical Genetics and Applied Genomics, University Hospital Tübingen
Classification: Pathogenic. Last evaluated: 2020-10-23. Review status: criteria provided, single submitter. Criteria: ACMG Guidelines, 2015. Collection method: clinical testing. Allele origin: germline. Inheritance: Unknown mechanism. Affected: yes. Not counted in ClinVar's aggregate classification.

Equipe Genetique des Anomalies du Developpement, Université de Bourgogne
Classification: Pathogenic for Noonan syndrome-like disorder with loose anagen hair 2. Last evaluated: 2019-05-04. Review status: criteria provided, single submitter. Criteria: ACMG Guidelines, 2015. Collection method: clinical testing. Allele origin: de novo. Affected: yes. Not counted in ClinVar's aggregate classification.

Eurofins Ntd Llc (ga)
Classification: Pathogenic. Last evaluated: 2018-06-15. Review status: criteria provided, single submitter. Criteria: EGL ClinVar v180209 classification definitions. Collection method: clinical testing. Allele origin: germline. Observed: 1 variant allele, 1 heterozygote. Not counted in ClinVar's aggregate classification.

Center for Pediatric Genomic Medicine, Children's Mercy Hospital and Clinics
Classification: Pathogenic. Last evaluated: 2017-08-30. Review status: criteria provided, single submitter. Criteria: ACMG Guidelines, 2015. Collection method: clinical testing. Allele origin: de novo. Not counted in ClinVar's aggregate classification.

Ambry Genetics
Classification: Pathogenic for Inborn genetic diseases. Last evaluated: 2016-07-06. Review status: criteria provided, single submitter. Criteria: Ambry exome assertion method (8-5-2015). Collection method: clinical testing. Allele origin: germline. Affected: yes. Observed: 4 variant alleles. Clinical features observed: Neurodevelopmental delay (HP:0012758), Atrial septal defect (HP:0001631), Pulmonic stenosis (disease) (HP:0001642), Heart murmur (HP:0030148), Abnormality of brain morphology (HP:0012443), Failure to thrive (HP:0001508), Gastroesophageal reflux (HP:0002020), Macrocephalus (HP:0000256), Short stature (HP:0004322), Plagiocephaly (HP:0001357), Wide anterior fontanel (HP:0000260), Prominent forehead (HP:0011220), and 34 more. Not counted in ClinVar's aggregate classification.

Centre de Biologie Pathologie Génétique, Centre Hospitalier Universitaire de Lille
Classification: Pathogenic for Neurodevelopmental delay. Review status: criteria provided, single submitter. Criteria: ACMG Guidelines, 2015. Collection method: clinical testing. Allele origin: de novo. Affected: yes. Not counted in ClinVar's aggregate classification.